The following is an entry in ClinVar:

ClinVar aggregate classification (germline): Uncertain significance. Review status: criteria provided, multiple submitters, no conflicts (2 of 4 stars). 2 submissions from 2 submitters: Uncertain significance (2). Last evaluated 2023-11-01.

Conditions:
Hereditary cancer-predisposing syndrome. Also called: Hereditary Cancer Syndrome; Hereditary neoplastic syndrome; Neoplastic Syndromes, Hereditary; Tumor predisposition. Identifiers: Orphanet 140162, MedGen C0027672, MeSH D009386, MONDO:0015356.
Hereditary breast ovarian cancer syndrome. Also called: Hereditary breast and ovarian cancer; Breast and ovarian cancer; Hereditary breast and ovarian cancer syndrome; Hereditary breast and/or ovarian cancer syndrome; BRCA1- and BRCA2-Associated Hereditary Breast and Ovarian Cancer; Hereditary breast and ovarian cancer syndrome (HBOC). Identifiers: Orphanet 145, MedGen C0677776, MeSH D061325, MONDO:0003582. Disease mechanism: loss of function.

Allele frequency attached by ClinVar (database versions not stated): gnomAD exomes below 0.00001.
gnomAD v4.1: 2 of 1,614,110 alleles (0.00012%); highest among the groups gnomAD compares: Non-Finnish European, 0.00017%; no homozygotes.

Submissions (2):

Labcorp Genetics (formerly Invitae), Labcorp
Classification: Uncertain significance for Hereditary breast ovarian cancer syndrome. Last evaluated: 2023-11-01. Review status: criteria provided, single submitter. Criteria: Invitae Variant Classification Sherloc (09022015). Collection method: clinical testing. Allele origin: germline.
Comment: This sequence change replaces alanine, which is neutral and non-polar, with proline, which is neutral and non-polar, at codon 2852 of the BRCA2 protein (p.Ala2852Pro). This variant is not present in population databases (gnomAD no frequency). This variant has not been reported in the literature in individuals affected with BRCA2-related conditions. ClinVar contains an entry for this variant (Variation ID: 441489). Advanced modeling of protein sequence and biophysical properties (such as structural, functional, and spatial information, amino acid conservation, physicochemical variation, residue mobility, and thermodynamic stability) performed at Invitae indicates that this missense variant is not expected to disrupt BRCA2 protein function with a negative predictive value of 95%. In summary, the available evidence is currently insufficient to determine the role of this variant in disease. Therefore, it has been classified as a Variant of Uncertain Significance.

Ambry Genetics
Classification: Uncertain significance for Hereditary cancer-predisposing syndrome. Last evaluated: 2022-11-17. Review status: criteria provided, single submitter. Criteria: Ambry Variant Classification Scheme 2023. Collection method: clinical testing. Allele origin: germline.
Comment: The p.A2852P variant (also known as c.8554G>C), located in coding exon 19 of the BRCA2 gene, results from a G to C substitution at nucleotide position 8554. The alanine at codon 2852 is replaced by proline, an amino acid with highly similar properties. This amino acid position is poorly conserved in available vertebrate species. In addition, this alteration is predicted to be tolerated by in silico analysis. Since supporting evidence is limited at this time, the clinical significance of this alteration remains unclear.

NM_000059.4(BRCA2):c.8554G>C (p.Ala2852Pro)

Gene: BRCA2 (BRCA2 DNA repair associated; plus strand). Cytogenetic location: 13q13.1.
Variant type: single nucleotide variant.
Coding change: c.8554G>C on transcript NM_000059.4 (MANE Select); coding-DNA position 8554, G replaced by C.
Protein change: p.Ala2852Pro; replaces alanine 2852 with proline.
Molecular consequence: missense variant.
Genome position (GRCh38, 1-based): chr13:32,371,022, G>C. VCF-style: chr13-32371022-G-C. GRCh37 (hg19) VCF-style: chr13-32945159-G-C.
Other names: short protein forms A2852P.
Identifiers: ClinVar variation 441489 (VCV000441489.15), dbSNP rs1555287769, ClinGen allele CA387752785.